The following is an entry in ClinVar:

NM_006182.4(DDR2):c.2209A>C (p.Ser737Arg)

Gene: DDR2 (discoidin domain receptor tyrosine kinase 2; plus strand). Cytogenetic location: 1q23.3.
Variant type: single nucleotide variant.
Coding change: c.2209A>C on transcript NM_006182.4 (MANE Select); coding-DNA position 2209, A replaced by C.
Protein change: p.Ser737Arg; replaces serine 737 with arginine.
Molecular consequence: missense variant.
Genome position (GRCh38, 1-based): chr1:162,776,296, A>C. VCF-style: chr1-162776296-A-C. GRCh37 (hg19) VCF-style: chr1-162746086-A-C.
Other names: c.2209A>C, p.Ser737Arg (NM_001014796.3, NM_001354982.2, NM_001354983.2); short protein forms S737R.
Identifiers: ClinVar variation 1958790 (VCV001958790.5), dbSNP rs370379829, ClinGen allele CA1217744.

ClinVar aggregate classification (germline): Uncertain significance (1 of 4 stars; one submission).

Allele frequency attached by ClinVar (database versions not stated): ExAC 0.00001; gnomAD exomes 0.00001; gnomAD 0.00002; TOPMed 0.00002; ESP Exome Variant Server 0.00008.
gnomAD v4.1: 20 of 1,613,920 alleles (0.0012%); highest among the groups gnomAD compares: Non-Finnish European, 0.0016%; no homozygotes.

Submission:

Labcorp Genetics (formerly Invitae), Labcorp
Classification: Uncertain significance. Last evaluated: 2022-02-12. Review status: criteria provided, single submitter. Criteria: Invitae Variant Classification Sherloc (09022015). Collection method: clinical testing. Allele origin: germline.
Comment: In summary, the available evidence is currently insufficient to determine the role of this variant in disease. Therefore, it has been classified as a Variant of Uncertain Significance. Algorithms developed to predict the effect of missense changes on protein structure and function (SIFT, PolyPhen-2, Align-GVGD) all suggest that this variant is likely to be tolerated. This variant has not been reported in the literature in individuals affected with DDR2-related conditions. This variant is present in population databases (rs370379829, gnomAD 0.002%). This sequence change replaces serine, which is neutral and polar, with arginine, which is basic and polar, at codon 737 of the DDR2 protein (p.Ser737Arg).